The following is an entry in ClinVar:

ClinVar aggregate classification (germline): Uncertain significance (0 of 4 stars; one submission).

Conditions:
ABCB11-related disorder. Also called: ABCB11-related condition.

Submission:

PreventionGenetics, part of Exact Sciences
Classification: Uncertain significance for ABCB11-related condition. Last evaluated: 2024-08-17. Review status: no assertion criteria provided. Collection method: clinical testing. Allele origin: germline.
Comment: The ABCB11 c.874G>A variant is predicted to result in the amino acid substitution p.Ala292Thr. To our knowledge, this variant has not been reported in the literature or in a large population database, indicating this variant is rare. At this time, the clinical significance of this variant is uncertain due to the absence of conclusive functional and genetic evidence.

NM_003742.4(ABCB11):c.874G>A (p.Ala292Thr)

Gene: ABCB11 (ATP binding cassette subfamily B member 11; minus strand). Cytogenetic location: 2q31.1.
Variant type: single nucleotide variant.
Coding change: c.874G>A on transcript NM_003742.4 (MANE Select); coding-DNA position 874, G replaced by A.
Protein change: p.Ala292Thr; replaces alanine 292 with threonine.
Molecular consequence: missense variant.
Genome position (GRCh38, 1-based): chr2:168,990,835, C>T on the plus strand (G>A on the coding strand, the complement: ABCB11 is on the minus strand). VCF-style: chr2-168990835-C-T. GRCh37 (hg19) VCF-style: chr2-169847345-C-T.
Other names: short protein forms A292T.
Identifiers: ClinVar variation 3351765 (VCV003351765.1).